The following is an entry in ClinVar:

NM_002693.3(POLG):c.155_156insACAGCAGCAGCAGCAGCAGCA (p.Gln55_Pro56insGlnGlnGlnGlnGlnGlnGln)

Genes: POLG (DNA polymerase gamma, catalytic subunit; minus strand), POLGARF (POLG alternative reading frame; minus strand). Cytogenetic location: 15q26.1.
Variant type: Microsatellite.
Coding change: c.155_156insACAGCAGCAGCAGCAGCAGCA on transcript NM_002693.3 (MANE Select); coding-DNA positions 155 to 156, ACAGCAGCAGCAGCAGCAGCA inserted.
Protein change: p.Gln55_Pro56insGlnGlnGlnGlnGlnGlnGln.
Genome position: GRCh38 VCF-style: chr15-89333599-C-CTGCTGCTGCTGCTGCTGCTGT. GRCh37 (hg19) VCF-style: chr15-89876830-C-CTGCTGCTGCTGCTGCTGCTGT.
Other names: c.210_211insACAGCAGCAGCAGCAGCAGCA, p.Ala70_Ala71insThrAlaAlaAlaAlaAlaAla (NM_001430120.1); c.155_156insACAGCAGCAGCAGCAGCAGCA, p.Gln55_Pro56insGlnGlnGlnGlnGlnGlnGln (NM_001126131.2).
Identifiers: ClinVar variation 3645685 (VCV003645685.2).

ClinVar aggregate classification (germline): Uncertain significance (1 of 4 stars; one submission).

Conditions:
Progressive sclerosing poliodystrophy (MTDPS4A). Also called: ALPERS PROGRESSIVE INFANTILE POLIODYSTROPHY; NEURONAL DEGENERATION OF CHILDHOOD WITH LIVER DISEASE, PROGRESSIVE; Alpers Syndrome; ALPERS DIFFUSE DEGENERATION OF CEREBRAL GRAY MATTER WITH HEPATIC CIRRHOSIS; Alpers-Huttenlocher Syndrome; Mitochondrial DNA depletion syndrome 4A (Alpers type). Identifiers: Orphanet 726, MedGen C0205710, MONDO:0008758, OMIM 203700.

Submission:

Labcorp Genetics (formerly Invitae), Labcorp
Classification: Uncertain significance for Progressive sclerosing poliodystrophy. Last evaluated: 2024-03-13. Review status: criteria provided, single submitter. Criteria: Invitae Variant Classification Sherloc (09022015). Collection method: clinical testing. Allele origin: germline.
Comment: This variant, c.155_156insACAGCAGCAGCAGCAGCAGCA, results in the insertion of 7 amino acid(s) of the POLG protein (p.Gln49_Gln55dup), but otherwise preserves the integrity of the reading frame. This variant is not present in population databases (gnomAD no frequency). This variant has not been reported in the literature in individuals affected with POLG-related conditions. In summary, the available evidence is currently insufficient to determine the role of this variant in disease. Therefore, it has been classified as a Variant of Uncertain Significance.